The following is an entry in ClinVar:

ClinVar aggregate classification (germline): Uncertain significance (1 of 4 stars; one submission).

Conditions:
Myofibrillar myopathy 6. Identifiers: Orphanet 199340, MedGen C2751831, MONDO:0013061, OMIM 612954.
Dilated cardiomyopathy 1HH (CMD1HH). Identifiers: Orphanet 154, MedGen C3151293, MONDO:0013479, OMIM 613881.

gnomAD v4.1: 1 of 1,614,160 alleles (0.000062%); highest among the groups gnomAD compares: Non-Finnish European, 0.000085%; no homozygotes.

Submission:

Labcorp Genetics (formerly Invitae), Labcorp
Classification: Uncertain significance for Dilated cardiomyopathy 1HH; Myofibrillar myopathy 6. Last evaluated: 2025-11-16. Review status: criteria provided, single submitter. Criteria: Invitae Variant Classification Sherloc (09022015). Collection method: clinical testing. Allele origin: germline.
Comment: This sequence change replaces asparagine, which is neutral and polar, with serine, which is neutral and polar, at codon 541 of the BAG3 protein (p.Asn541Ser). This variant is not present in population databases (gnomAD no frequency). This variant has not been reported in the literature in individuals affected with BAG3-related conditions. Invitae Evidence Modeling of protein sequence and biophysical properties (such as structural, functional, and spatial information, amino acid conservation, physicochemical variation, residue mobility, and thermodynamic stability) indicates that this missense variant is not expected to disrupt BAG3 protein function with a negative predictive value of 80%. In summary, the available evidence is currently insufficient to determine the role of this variant in disease. Therefore, it has been classified as a Variant of Uncertain Significance.

NM_004281.4(BAG3):c.1622A>G (p.Asn541Ser)

Gene: BAG3 (BAG cochaperone 3; plus strand). Cytogenetic location: 10q26.11.
Variant type: single nucleotide variant.
Coding change: c.1622A>G on transcript NM_004281.4 (MANE Select); coding-DNA position 1622, A replaced by G.
Protein change: p.Asn541Ser; replaces asparagine 541 with serine.
Molecular consequence: missense variant.
Genome position (GRCh38, 1-based): chr10:119,677,176, A>G. VCF-style: chr10-119677176-A-G. GRCh37 (hg19) VCF-style: chr10-121436688-A-G.
Other names: short protein forms N541S.
Identifiers: ClinVar variation 4794467 (VCV004794467.1).
Genomic context (GRCh38, chr10:119,677,176, plus strand): 5'-TGCAGGCAATCATGGAGATGGGTGCCGTGGCAGCAGACAAGGGCAAGAAAAATGCTGGAA[A>G]TGCAGAAGATCCCCACACAGAAACCCAGCAGCCAGAAGCCACAGCAGCAGCGACTTCAAA-3'
Protein context (NP_004272.2, residues 531-551): AADKGKKNAG[Asn541Ser]AEDPHTETQQ